The following is an entry in ClinVar:

ClinVar aggregate classification (germline): Uncertain significance (1 of 4 stars; one submission).

Conditions:
Autosomal recessive severe congenital neutropenia due to CSF3R deficiency. Also called: Neutropenia, severe congenital, 7, autosomal recessive. Identifiers: Orphanet 420702, MedGen C4310764, MONDO:0014865, OMIM 617014.

Allele frequency attached by ClinVar (database versions not stated): TOPMed 0.00002; gnomAD 0.00003.
gnomAD v4.1: 146 of 1,614,120 alleles (0.009%); highest among the groups gnomAD compares: Non-Finnish European, 0.012%; no homozygotes.

Submission:

Labcorp Genetics (formerly Invitae), Labcorp
Classification: Uncertain significance for Autosomal recessive severe congenital neutropenia due to CSF3R deficiency. Last evaluated: 2025-04-19. Review status: criteria provided, single submitter. Criteria: Invitae Variant Classification Sherloc (09022015). Collection method: clinical testing. Allele origin: germline.
Comment: This sequence change replaces glutamine, which is neutral and polar, with histidine, which is basic and polar, at codon 380 of the CSF3R protein (p.Gln380His). This variant is present in population databases (rs760105431, gnomAD 0.004%). This variant has not been reported in the literature in individuals affected with CSF3R-related conditions. ClinVar contains an entry for this variant (Variation ID: 2194704). Invitae Evidence Modeling of protein sequence and biophysical properties (such as structural, functional, and spatial information, amino acid conservation, physicochemical variation, residue mobility, and thermodynamic stability) indicates that this missense variant is not expected to disrupt CSF3R protein function with a negative predictive value of 80%. In summary, the available evidence is currently insufficient to determine the role of this variant in disease. Therefore, it has been classified as a Variant of Uncertain Significance.

NM_000760.4(CSF3R):c.1140G>C (p.Gln380His)

Gene: CSF3R (colony stimulating factor 3 receptor; minus strand). Cytogenetic location: 1p34.3.
Variant type: single nucleotide variant.
Coding change: c.1140G>C on transcript NM_000760.4 (MANE Select); coding-DNA position 1140, G replaced by C.
Protein change: p.Gln380His; replaces glutamine 380 with histidine.
Molecular consequence: missense variant.
Genome position (GRCh38, 1-based): chr1:36,471,578, C>G on the plus strand (G>C on the coding strand, the complement: CSF3R is on the minus strand). VCF-style: chr1-36471578-C-G. GRCh37 (hg19) VCF-style: chr1-36937179-C-G.
Other names: c.1140G>C, p.Gln380His (NM_156039.3, NM_172313.3); short protein forms Q380H.
Identifiers: ClinVar variation 2194704 (VCV002194704.4), dbSNP rs760105431, ClinGen allele CA769267.